The following is an entry in ClinVar:

ClinVar aggregate classification (germline): Uncertain significance (1 of 4 stars; one submission).

Conditions:
Inborn genetic diseases. Identifiers: MedGen C0950123, MeSH D030342.

gnomAD v4.1: 8 of 1,614,122 alleles (0.0005%); highest among the groups gnomAD compares: Non-Finnish European, 0.00059%; no homozygotes.

Submission:

Ambry Genetics
Classification: Uncertain significance for Inborn genetic diseases. Last evaluated: 2024-12-22. Review status: criteria provided, single submitter. Criteria: Ambry Variant Classification Scheme 2023. Collection method: clinical testing. Allele origin: germline.
Comment: The p.N1141S variant (also known as c.3422A>G), located in coding exon 14 of the FANCM gene, results from an A to G substitution at nucleotide position 3422. The asparagine at codon 1141 is replaced by serine, an amino acid with highly similar properties. This amino acid position is conserved. In addition, this alteration is predicted to be tolerated by in silico analysis. Based on the available evidence, the clinical significance of this variant remains unclear.

NM_020937.4(FANCM):c.3422A>G (p.Asn1141Ser)

Gene: FANCM (FA complementation group M; plus strand). Cytogenetic location: 14q21.2.
Variant type: single nucleotide variant.
Coding change: c.3422A>G on transcript NM_020937.4 (MANE Select); coding-DNA position 3422, A replaced by G.
Protein change: p.Asn1141Ser; replaces asparagine 1141 with serine.
Molecular consequence: missense variant.
Genome position (GRCh38, 1-based): chr14:45,176,176, A>G. VCF-style: chr14-45176176-A-G. GRCh37 (hg19) VCF-style: chr14-45645379-A-G.
Other names: c.3344A>G, p.Asn1115Ser (NM_001308133.2); short protein forms N1115S, N1141S.
Identifiers: ClinVar variation 3848538 (VCV003848538.1).